The following is an entry in ClinVar:

NM_000152.5(GAA):c.1619A>G (p.Asn540Ser)

Gene: GAA (alpha glucosidase; plus strand). Cytogenetic location: 17q25.3.
Variant type: single nucleotide variant.
Coding change: c.1619A>G on transcript NM_000152.5 (MANE Select); coding-DNA position 1619, A replaced by G.
Protein change: p.Asn540Ser; replaces asparagine 540 with serine.
Molecular consequence: missense variant.
Genome position (GRCh38, 1-based): chr17:80,111,008, A>G. VCF-style: chr17-80111008-A-G. GRCh37 (hg19) VCF-style: chr17-78084807-A-G.
Other names: c.1619A>G, p.Asn540Ser (NM_001079803.3, NM_001079804.3); short protein forms N540S.
Identifiers: ClinVar variation 941028 (VCV000941028.6), dbSNP rs2039224662, ClinGen allele CA401367333.
Genomic context (GRCh38, chr17:80,111,008, plus strand): 5'-ACGAGCCTTCCAACTTCATCAGGGGCTCTGAGGACGGCTGCCCCAACAATGAGCTGGAGA[A>G]CCCACCCTACGTGCCTGGTCAGCTCGCCCCCCACCTACCCTGGGGACTTAATCAAATCAG-3'
Protein context (NP_000143.2, residues 530-550): EDGCPNNELE[Asn540Ser]PPYVPGVVGG

ClinVar aggregate classification (germline): Uncertain significance (1 of 4 stars; one submission).

Conditions:
Glycogen storage disease, type II (IOPD). Also called: POMPE DISEASE, INFANTILE-ONSET; GLYCOGEN STORAGE DISEASE II, INFANTILE-ONSET; ACID ALPHA-GLUCOSIDASE DEFICIENCY, INFANTILE-ONSET; GAA DEFICIENCY, INFANTILE-ONSET; ACID MALTASE DEFICIENCY, INFANTILE-ONSET; Glucosidase acid-1,4-alpha deficiency. Identifiers: Orphanet 365, MedGen C0017921, MONDO:0009290, OMIM 232300.

Allele frequency attached by ClinVar (database versions not stated): TOPMed below 0.00001; gnomAD exomes 0.00001.
gnomAD v4.1: 20 of 1,613,820 alleles (0.0012%); highest among the groups gnomAD compares: Non-Finnish European, 0.0017%; no homozygotes.

Submission:

Labcorp Genetics (formerly Invitae), Labcorp
Classification: Uncertain significance for Glycogen storage disease, type II. Last evaluated: 2021-09-01. Review status: criteria provided, single submitter. Criteria: Invitae Variant Classification Sherloc (09022015). Collection method: clinical testing. Allele origin: germline.
Comment: This sequence change replaces asparagine with serine at codon 540 of the GAA protein (p.Asn540Ser). The asparagine residue is highly conserved and there is a small physicochemical difference between asparagine and serine. This variant is not present in population databases (ExAC no frequency). This variant has not been reported in the literature in individuals affected with GAA-related conditions. Algorithms developed to predict the effect of missense changes on protein structure and function output the following: SIFT: "Deleterious"; PolyPhen-2: "Benign"; Align-GVGD: "Class C0". The serine amino acid residue is found in multiple mammalian species, which suggests that this missense change does not adversely affect protein function. In summary, the available evidence is currently insufficient to determine the role of this variant in disease. Therefore, it has been classified as a Variant of Uncertain Significance.